The following is an entry in ClinVar:

ClinVar aggregate classification (germline): Likely benign (0 of 4 stars; one submission).

Conditions:
ARFGEF3-related disorder. Also called: ARFGEF3-related condition.

Allele frequency attached by ClinVar (database versions not stated): 1000 Genomes Project 0.00040; 1000 Genomes Project 30x 0.00047; gnomAD 0.00076; TOPMed 0.00091; ESP Exome Variant Server 0.00108; ExAC 0.00330.

Submission:

PreventionGenetics, part of Exact Sciences
Classification: Likely benign for ARFGEF3-related condition. Last evaluated: 2019-03-05. Review status: no assertion criteria provided. Collection method: clinical testing. Allele origin: germline.
Comment: This variant is classified as likely benign based on ACMG/AMP sequence variant interpretation guidelines (Richards et al. 2015 PMID: 25741868, with internal and published modifications).

NM_020340.5(ARFGEF3):c.3318C>T (p.Ser1106=)

Gene: ARFGEF3 (ARFGEF family member 3; plus strand). Cytogenetic location: 6q23.3.
Variant type: single nucleotide variant.
Coding change: c.3318C>T on transcript NM_020340.5 (MANE Select); coding-DNA position 3318, C replaced by T.
Protein change: p.Ser1106=; no amino-acid change (serine 1106 retained).
Molecular consequence: synonymous variant.
Genome position (GRCh38, 1-based): chr6:138,292,003, C>T. VCF-style: chr6-138292003-C-T. GRCh37 (hg19) VCF-style: chr6-138613140-C-T.
Identifiers: ClinVar variation 3048521 (VCV003048521.2), dbSNP rs369929834, ClinGen allele CA4021048.